The following is an entry in ClinVar:

ClinVar aggregate classification (germline): Benign. Review status: criteria provided, multiple submitters, no conflicts (2 of 4 stars). 12 submissions from 10 submitters: Benign (10). 2 of the submissions do not count toward it. Last evaluated 2026-02-01.

Conditions:
Autosomal recessive nonsyndromic hearing loss 21. Identifiers: Orphanet 90636, MedGen C1863655, MONDO:0011351, OMIM 603629.
Autosomal dominant nonsyndromic hearing loss 12. Also called: DEAFNESS, AUTOSOMAL DOMINANT 8. Identifiers: Orphanet 90635, MedGen C1832187, MONDO:0011102, OMIM 601543.

Allele frequency attached by ClinVar (database versions not stated): ESP Exome Variant Server 0.09882; gnomAD 0.10906 and 0.11875; TOPMed 0.11666; gnomAD exomes 0.14050 and 0.17024; ExAC 0.16895; 1000 Genomes Project 30x 0.17801; 1000 Genomes Project 0.18530.
gnomAD v4.1: 224,852 of 1,613,960 alleles (14%); highest among the groups gnomAD compares: South Asian, 31%; 19,148 homozygotes.

Submissions (12):

Labcorp Genetics (formerly Invitae), Labcorp
Classification: Benign. Last evaluated: 2026-02-01. Review status: criteria provided, single submitter. Criteria: Invitae Variant Classification Sherloc (09022015). Collection method: clinical testing. Allele origin: germline.

Genome-Nilou Lab
Classification: Benign for Autosomal dominant nonsyndromic hearing loss 12. Last evaluated: 2021-09-10. Review status: criteria provided, single submitter. Criteria: ACMG Guidelines, 2015. Collection method: clinical testing. Allele origin: germline. Affected: no.

Genome-Nilou Lab
Classification: Benign for Autosomal recessive nonsyndromic hearing loss 21. Last evaluated: 2021-09-10. Review status: criteria provided, single submitter. Criteria: ACMG Guidelines, 2015. Collection method: clinical testing. Allele origin: germline. Affected: no.

Mayo Clinic Laboratories, Mayo Clinic
Classification: Benign. Last evaluated: 2020-07-02. Review status: criteria provided, single submitter. Criteria: ACMG Guidelines, 2015. Collection method: clinical testing. Allele origin: germline. Observed: 32 variant alleles.

Illumina Laboratory Services, Illumina
Classification: Benign for Autosomal recessive nonsyndromic hearing loss 21. Last evaluated: 2018-01-13. Review status: criteria provided, single submitter. Criteria: ICSL Variant Classification Criteria 13 December 2019. Collection method: clinical testing. Allele origin: germline.
Comment: This variant was observed in the ICSL laboratory as part of a predisposition screen in an ostensibly healthy population. It had not been previously curated by ICSL or reported in the Human Gene Mutation Database (HGMD: prior to June 1st, 2018), and was therefore a candidate for classification through an automated scoring system. Utilizing variant allele frequency, disease prevalence and penetrance estimates, and inheritance mode, an automated score was calculated to assess if this variant is too frequent to cause the disease. Based on the score and internal cut-off values, a variant classified as benign is not then subjected to further curation. The score for this variant resulted in a classification of benign for this disease.

Illumina Laboratory Services, Illumina
Classification: Benign for Autosomal dominant nonsyndromic hearing loss 12. Last evaluated: 2018-01-13. Review status: criteria provided, single submitter. Criteria: ICSL Variant Classification Criteria 13 December 2019. Collection method: clinical testing. Allele origin: germline.
Comment: the same text as in the submission from Illumina Laboratory Services, Illumina above.

GeneDx
Classification: Benign. Last evaluated: 2017-05-09. Review status: criteria provided, single submitter. Criteria: GeneDx Variant Classification (06012015). Collection method: clinical testing. Allele origin: germline. Affected: yes.
Comment: This variant is considered likely benign or benign based on one or more of the following criteria: it is a conservative change, it occurs at a poorly conserved position in the protein, it is predicted to be benign by multiple in silico algorithms, and/or has population frequency not consistent with disease.

Laboratory for Molecular Medicine, Mass General Brigham Personalized Medicine
Classification: Benign. Last evaluated: 2012-05-07. Review status: criteria provided, single submitter. Criteria: LMM Criteria. Collection method: clinical testing. Allele origin: germline. Observed: 459 variant alleles.
Comment: "Ser1878Ser in Exon 18 of TECTA: This variant is not expected to have clinical s ignificance because it does not alter an amino acid residue, is not located with in the splice consensus sequence, and has been identified in 13.3% (935/7020) of European American chromosomes from a broad population by the NHLBI Exome Sequen cing Project (dbSNP rs2155369)."

Breakthrough Genomics
Classification: Benign. Review status: criteria provided, single submitter. Criteria: ACMG Guidelines, 2015. Collection method: not provided. Allele origin: germline. Inheritance: Autosomal recessive inheritance. Affected: yes.

PreventionGenetics, part of Exact Sciences
Classification: Benign. Review status: criteria provided, single submitter. Criteria: ACMG Guidelines, 2015. Collection method: clinical testing. Allele origin: germline.

Diagnostic Laboratory, Department of Genetics, University Medical Center Groningen
Classification: Benign. Review status: no assertion criteria provided. Collection method: clinical testing. Allele origin: germline. Affected: yes. Study: VKGL Data-share Consensus. Not counted in ClinVar's aggregate classification.

Joint Genome Diagnostic Labs from Nijmegen and Maastricht, Radboudumc and MUMC+
Classification: Benign. Review status: no assertion criteria provided. Collection method: clinical testing. Allele origin: germline. Affected: yes. Study: VKGL Data-share Consensus. Not counted in ClinVar's aggregate classification.

NM_005422.4(TECTA):c.5634C>T (p.Ser1878=)

Genes: TECTA (tectorin alpha; plus strand), TBCEL-TECTA (TBCEL-TECTA readthrough; plus strand). Cytogenetic location: 11q23.3.
Variant type: single nucleotide variant.
Coding change: c.5634C>T on transcript NM_005422.4 (MANE Select); coding-DNA position 5634, C replaced by T.
Protein change: p.Ser1878=; no amino-acid change (serine 1878 retained).
Molecular consequence: synonymous variant.
Genome position (GRCh38, 1-based): chr11:121,168,101, C>T. VCF-style: chr11-121168101-C-T. GRCh37 (hg19) VCF-style: chr11-121038810-C-T.
Other names: p.Ser1878=; c.6576C>T, p.Ser2192= (NM_001378761.1).
Identifiers: ClinVar variation 45338 (VCV000045338.27), dbSNP rs2155369, ClinGen allele CA136065.